The following is an entry in ClinVar:

ClinVar aggregate classification (germline): Pathogenic (1 of 4 stars; one submission).

Conditions:
Muscular dystrophy, limb-girdle, autosomal recessive 23. Identifiers: Orphanet 565837, MedGen C4748327, MONDO:0029136, OMIM 618138.

Submission:

Victorian Clinical Genetics Services, Murdoch Childrens Research Institute
Classification: Pathogenic for Muscular dystrophy, limb-girdle, autosomal recessive 23. Last evaluated: 2022-06-24. Review status: criteria provided, single submitter. Criteria: ACMG Guidelines, 2015. Collection method: clinical testing. Allele origin: germline. Inheritance: Autosomal recessive inheritance. Affected: yes.
Comment: Based on the classification scheme VCGS_Germline_v1.3.4, this variant is classified as Pathogenic. Following criteria are met: 0102 - Loss of function is a known mechanism of disease in this gene and is associated with autosomal recessive limb-girdle muscular dystrophy, 23 (MIM#618138). (I) 0106 - This gene is associated with autosomal recessive disease. (I) 0201 - Variant is predicted to cause nonsense-mediated decay (NMD) and loss of protein (premature termination codon is located at least 54 nucleotides upstream of the final exon-exon junction). (SP) 0251 - This variant is heterozygous. (I) 0304 - Variant is present in gnomAD (v3) <0.01 for a recessive condition (1 heterozygote, 0 homozygotes). (SP) 0701 - Other NMD-predicted variants comparable to the one identified in this case have very strong previous evidence for pathogenicity (ClinVar, DECIPHER). (SP) 0807 - This variant has no previous evidence of pathogenicity. (I) 0905 - No published segregation evidence has been identified for this variant. (I) 1007 - No published functional evidence has been identified for this variant. (I) Legend: (SP) - Supporting pathogenic, (I) - Information, (SB) - Supporting benign

NM_000426.4(LAMA2):c.442del (p.Arg148fs)

Gene: LAMA2 (laminin subunit alpha 2; plus strand). Cytogenetic location: 6q22.33.
Variant type: Deletion.
Coding change: c.442del on transcript NM_000426.4 (MANE Select); coding-DNA position 442, one base deleted (C; older notation c.442delC).
Protein change: p.Arg148fs; shifts the reading frame from arginine 148.
Molecular consequence: frameshift variant.
Genome position (GRCh38, 1-based): chr6:129,098,218, C deleted; the last of 6 consecutive C bases (chr6:129,098,213-129,098,218); deleting any one gives the same sequence. VCF-style (leftmost placement, unchanged base first): chr6-129098212-TC-T. GRCh37 (hg19) VCF-style: chr6-129419357-TC-T.
Other names: c.442del, p.Arg148fs (NM_001079823.2); short protein forms R148fs.
Identifiers: ClinVar variation 2500757 (VCV002500757.2), dbSNP rs1775302275, ClinGen allele CA645543141.